The following is an entry in ClinVar:

ClinVar aggregate classification (germline): Likely pathogenic. Review status: criteria provided, multiple submitters, no conflicts (2 of 4 stars). 2 submissions from 2 submitters: Likely pathogenic (2). Last evaluated 2024-01-22.

Conditions:
Aspartylglucosaminuria (AGU). Also called: AGA DEFICIENCY; GLYCOASPARAGINASE; GLYCOSYLASPARAGINASE DEFICIENCY; Aspartylglucos-aminuria; Aspartylglucos-amidase (AGA) deficiency. Identifiers: Orphanet 93, MedGen C0268225, MONDO:0008830, OMIM 208400, HP:0012068.

Submissions (2):

Fulgent Genetics
Classification: Likely pathogenic for Aspartylglucosaminuria. Last evaluated: 2024-01-22. Review status: criteria provided, single submitter. Criteria: ACMG Guidelines, 2015. Collection method: clinical testing. Allele origin: germline.

Labcorp Genetics (formerly Invitae), Labcorp
Classification: Likely pathogenic for Aspartylglucosaminuria. Last evaluated: 2023-04-09. Review status: criteria provided, single submitter. Criteria: Invitae Variant Classification Sherloc (09022015). Collection method: clinical testing. Allele origin: germline.
Comment: In summary, the currently available evidence indicates that the variant is pathogenic, but additional data are needed to prove that conclusively. Therefore, this variant has been classified as Likely Pathogenic. Experimental studies have shown that this missense change affects AGA function (PMID: 11309371). Advanced modeling of protein sequence and biophysical properties (such as structural, functional, and spatial information, amino acid conservation, physicochemical variation, residue mobility, and thermodynamic stability) performed at Invitae indicates that this missense variant is expected to disrupt AGA protein function. This missense change has been observed in individual(s) with aspartylglucosaminuria (PMID: 1722323). This variant is not present in population databases (gnomAD no frequency). This sequence change replaces glycine, which is neutral and non-polar, with arginine, which is basic and polar, at codon 302 of the AGA protein (p.Gly302Arg).

Literature cited by the submitters: PubMed 11309371 (cited by Labcorp Genetics (formerly Invitae), Labcorp); PubMed 1722323 (cited by Labcorp Genetics (formerly Invitae), Labcorp).

NM_000027.4(AGA):c.904G>C (p.Gly302Arg)

Gene: AGA (aspartylglucosaminidase; minus strand). Cytogenetic location: 4q34.3.
Variant type: single nucleotide variant.
Coding change: c.904G>C on transcript NM_000027.4 (MANE Select); coding-DNA position 904, G replaced by C.
Protein change: p.Gly302Arg; replaces glycine 302 with arginine.
Molecular consequence: missense variant. On other transcripts: non-coding transcript variant (1).
Genome position (GRCh38, 1-based): chr4:177,433,250, C>G on the plus strand (G>C on the coding strand, the complement: AGA is on the minus strand). VCF-style: chr4-177433250-C-G. GRCh37 (hg19) VCF-style: chr4-178354404-C-G.
Other names: c.874G>C, p.Gly292Arg (NM_001171988.2); short protein forms G302R, G292R.
Identifiers: ClinVar variation 2854198 (VCV002854198.4), dbSNP rs121964905, ClinGen allele CA358781177.